The following is an entry in ClinVar:

ClinVar aggregate classification (germline): Uncertain significance (1 of 4 stars; one submission).

Conditions:
Candidiasis, familial, 9 (CANDF9). Identifiers: Orphanet 1334, MedGen C4225324, MONDO:0014642, OMIM 616445.

Allele frequency attached by ClinVar (database versions not stated): TOPMed below 0.00001; ExAC 0.00001; gnomAD 0.00001.
gnomAD v4.1: 4 of 1,604,920 alleles (0.00025%); highest among the groups gnomAD compares: Non-Finnish European, 0.00034%; no homozygotes.

Submission:

Labcorp Genetics (formerly Invitae), Labcorp
Classification: Uncertain significance for Candidiasis, familial, 9. Last evaluated: 2023-05-16. Review status: criteria provided, single submitter. Criteria: Invitae Variant Classification Sherloc (09022015). Collection method: clinical testing. Allele origin: germline.
Comment: This variant is present in population databases (rs758853893, gnomAD 0.002%). This variant has not been reported in the literature in individuals affected with IL17RC-related conditions. An algorithm developed to predict the effect of missense changes on protein structure and function (PolyPhen-2) suggests that this variant is likely to be disruptive. In summary, the available evidence is currently insufficient to determine the role of this variant in disease. Therefore, it has been classified as a Variant of Uncertain Significance. This sequence change replaces proline, which is neutral and non-polar, with alanine, which is neutral and non-polar, at codon 676 of the IL17RC protein (p.Pro676Ala).

NM_153460.4(IL17RC):c.1813C>G (p.Pro605Ala)

Gene: IL17RC (interleukin 17 receptor C; plus strand). Cytogenetic location: 3p25.3.
Variant type: single nucleotide variant.
Coding change: c.1813C>G on transcript NM_153460.4 (MANE Select); coding-DNA position 1813, C replaced by G.
Protein change: p.Pro605Ala; replaces proline 605 with alanine.
Molecular consequence: missense variant. On other transcripts: non-coding transcript variant (1).
Genome position (GRCh38, 1-based): chr3:9,933,243, C>G. VCF-style: chr3-9933243-C-G. GRCh37 (hg19) VCF-style: chr3-9974927-C-G.
Other names: c.2026C>G, p.Pro676Ala (NM_153461.4); c.1774C>G, p.Pro592Ala (NM_001203263.2); c.1723C>G, p.Pro575Ala (NM_001203264.2); c.1717C>G, p.Pro573Ala (NM_001203265.2); c.1735C>G, p.Pro579Ala (NM_001367278.1); c.1654C>G, p.Pro552Ala (NM_001367279.1); c.1729C>G, p.Pro577Ala (NM_001367280.1); c.1678C>G, p.Pro560Ala (NM_001410711.1); and 1 more; short protein forms P560A, P577A, P592A, P676A, P575A, P552A, P579A, P590A.
Identifiers: ClinVar variation 2878625 (VCV002878625.3), dbSNP rs758853893, ClinGen allele CA2247422.